The following is an entry in ClinVar:

NM_032805.3(ZSCAN10):c.480C>T (p.Ser160=)

Gene: ZSCAN10 (zinc finger and SCAN domain containing 10; minus strand). Cytogenetic location: 16p13.3.
Variant type: single nucleotide variant.
Coding change: c.480C>T on transcript NM_032805.3 (MANE Select); coding-DNA position 480, C replaced by T.
Protein change: p.Ser160=; no amino-acid change (serine 160 retained).
Molecular consequence: synonymous variant. On other transcripts: 5 prime UTR variant (1), intron variant (3).
Genome position (GRCh38, 1-based): chr16:3,092,233, G>A on the plus strand (C>T on the coding strand, the complement: ZSCAN10 is on the minus strand). VCF-style: chr16-3092233-G-A. GRCh37 (hg19) VCF-style: chr16-3142234-G-A.
Other names: c.-703C>T (NM_001282415.2); c.-518-405C>T (NM_001365273.1); c.119-405C>T (NM_001365272.1); c.253+309C>T (NM_001282416.2).
Identifiers: ClinVar variation 4534773 (VCV004534773.6).

ClinVar aggregate classification (germline): Likely benign (1 of 4 stars; one submission).

gnomAD v4.1: 64 of 1,612,764 alleles (0.004%); highest among the groups gnomAD compares: Admixed American, 0.1%; no homozygotes.

Submission:

CeGaT Center for Human Genetics Tuebingen
Classification: Likely benign. Last evaluated: 2025-10-01. Review status: criteria provided, single submitter. Criteria: CeGaT Center For Human Genetics Tuebingen Variant Classification Criteria Version 2. Collection method: clinical testing. Allele origin: germline. Affected: yes. Observed: 1 variant allele.
Comment: ZSCAN10: BP4, BP7